The following is an entry in ClinVar:

NM_030962.4(SBF2):c.2450G>A (p.Arg817Gln)

Genes: SBF2 (SET binding factor 2; minus strand), LOC101928008 (uncharacterized LOC101928008; plus strand). Cytogenetic location: 11p15.4.
Variant type: single nucleotide variant.
Coding change: c.2450G>A on transcript NM_030962.4 (MANE Select); coding-DNA position 2450, G replaced by A.
Protein change: p.Arg817Gln; replaces arginine 817 with glutamine.
Molecular consequence: missense variant.
Genome position (GRCh38, 1-based): chr11:9,853,626, C>T on the plus strand (G>A on the coding strand, the complement: SBF2 is on the minus strand). VCF-style: chr11-9853626-C-T. GRCh37 (hg19) VCF-style: chr11-9875173-C-T.
Other names: c.2450G>A, p.Arg817Gln (NM_001386339.1); c.2321G>A, p.Arg774Gln (NM_001386342.1); short protein forms R817Q, R774Q.
Identifiers: ClinVar variation 476917 (VCV000476917.6), dbSNP rs369653070, ClinGen allele CA5881559.

ClinVar aggregate classification (germline): Uncertain significance (1 of 4 stars; one submission).

Conditions:
Charcot-Marie-Tooth disease type 4. Also called: Charcot-Marie-Tooth disease, type IV; Charcot-Marie-Tooth, Type 4. Identifiers: Orphanet 64749, MedGen C4082197, MONDO:0018995.

Allele frequency attached by ClinVar (database versions not stated): gnomAD exomes 0.00001 and 0.00002; ExAC 0.00002; gnomAD 0.00005 and 0.00006; TOPMed 0.00005; ESP Exome Variant Server 0.00008.
gnomAD v4.1: 16 of 1,613,760 alleles (0.00099%); highest among the groups gnomAD compares: African/African-American, 0.017%; no homozygotes.

Submission:

Labcorp Genetics (formerly Invitae), Labcorp
Classification: Uncertain significance for Charcot-Marie-Tooth disease type 4. Last evaluated: 2022-06-13. Review status: criteria provided, single submitter. Criteria: Invitae Variant Classification Sherloc (09022015). Collection method: clinical testing. Allele origin: germline.
Comment: This sequence change replaces arginine, which is basic and polar, with glutamine, which is neutral and polar, at codon 817 of the SBF2 protein (p.Arg817Gln). This variant is present in population databases (rs369653070, gnomAD 0.02%). This variant has not been reported in the literature in individuals affected with SBF2-related conditions. ClinVar contains an entry for this variant (Variation ID: 476917). Algorithms developed to predict the effect of missense changes on protein structure and function are either unavailable or do not agree on the potential impact of this missense change (SIFT: "Deleterious"; PolyPhen-2: "Probably Damaging"; Align-GVGD: "Class C0"). Algorithms developed to predict the effect of sequence changes on RNA splicing suggest that this variant may create or strengthen a splice site. In summary, the available evidence is currently insufficient to determine the role of this variant in disease. Therefore, it has been classified as a Variant of Uncertain Significance.